The following is an entry in ClinVar:

NM_015335.5(MED13L):c.3677TCC[3] (p.Leu1229del)

Gene: MED13L (mediator complex subunit 13L; minus strand). Cytogenetic location: 12q24.21.
Variant type: Microsatellite.
Coding change: c.3677TCC[3] on transcript NM_015335.5 (MANE Select); three copies in a row of the 3-base unit TCC starting at c.3677; the reference has four copies in a row; one copy, 3 bases deleted.
Protein change: p.Leu1229del; deletes leucine 1229.
Molecular consequence: inframe deletion.
Genome position (GRCh38, 1-based): chr12:115,991,266-115,991,268, GGA deleted on the plus strand (TCC on the coding strand, the reverse complement: MED13L is on the minus strand); deleting any 3 consecutive bases within chr12:115,991,266-115,991,278 gives the same sequence; the position shown is the placement nearest the transcript's 3' end. VCF-style (leftmost placement, unchanged base first): chr12-115991265-TGGA-T. GRCh37 (hg19) VCF-style: chr12-116429070-TGGA-T.
Other names: short protein forms L1229del.
Identifiers: ClinVar variation 2910666 (VCV002910666.3), dbSNP rs1365521051, ClinGen allele CA608055589.

ClinVar aggregate classification (germline): Uncertain significance (1 of 4 stars; one submission).

Conditions:
Dextro-looped transposition of the great arteries. Also called: Dextrotransposition of the great arteries. Identifiers: Orphanet 860, MedGen C3531771, MONDO:0019443, OMIM 608808, HP:0031348.

Submission:

Labcorp Genetics (formerly Invitae), Labcorp
Classification: Uncertain significance for Dextro-looped transposition of the great arteries. Last evaluated: 2022-11-21. Review status: criteria provided, single submitter. Criteria: Invitae Variant Classification Sherloc (09022015). Collection method: clinical testing. Allele origin: germline.
Comment: This variant, c.3686_3688del, results in the deletion of 1 amino acid(s) of the MED13L protein (p.Leu1229del), but otherwise preserves the integrity of the reading frame. In summary, the available evidence is currently insufficient to determine the role of this variant in disease. Therefore, it has been classified as a Variant of Uncertain Significance. Experimental studies and prediction algorithms are not available or were not evaluated, and the functional significance of this variant is currently unknown. This variant has not been reported in the literature in individuals affected with MED13L-related conditions. The frequency data for this variant in the population databases is considered unreliable, as metrics indicate poor data quality at this position in the gnomAD database.